The following is an entry in ClinVar:

NM_001148.6(ANK2):c.2803A>C (p.Thr935Pro)

Gene: ANK2 (ankyrin 2; plus strand). Cytogenetic location: 4q26.
Variant type: single nucleotide variant.
Coding change: c.2803A>C on transcript NM_001148.6 (MANE Select); coding-DNA position 2803, A replaced by C.
Protein change: p.Thr935Pro; replaces threonine 935 with proline.
Molecular consequence: missense variant.
Genome position (GRCh38, 1-based): chr4:113,318,523, A>C. VCF-style: chr4-113318523-A-C. GRCh37 (hg19) VCF-style: chr4-114239679-A-C.
Other names: c.2740A>C, p.Thr914Pro (NM_001127493.3, NM_001354243.2, NM_001354255.2 and 3 more transcripts); c.2815A>C, p.Thr939Pro (NM_001354225.2); c.2803A>C, p.Thr935Pro (NM_001354228.2, NM_001354232.2, NM_001354258.2 and 1 more transcripts); c.2845A>C, p.Thr949Pro (NM_001354230.2, NM_001354231.2, NM_001354237.2 and 1 more transcripts); c.2800A>C, p.Thr934Pro (NM_001354235.2, NM_001354236.2, NM_001354246.2 and 1 more transcripts); c.2737A>C, p.Thr913Pro (NM_001354239.2, NM_001354244.2, NM_001354252.2 and 3 more transcripts); c.2848A>C, p.Thr950Pro (NM_001354240.2, NM_001354241.2, NM_001386144.1); c.2704A>C, p.Thr902Pro (NM_001354245.2, NM_001354268.2); and 17 more; short protein forms T868P, T901P, T916P, T914P, T950P, T807P, T864P, T873P.
Identifiers: ClinVar variation 1477606 (VCV001477606.11), dbSNP rs756666052, ClinGen allele CA3050680.
Genomic context (GRCh38, chr4:113,318,523, plus strand): 5'-TTACTTTAATTGAAGCAAAGTGTGTTTATTCAATCCAGTGTTCTTTGTGTTTAGGTGTCA[A>C]CTCTAGCCAAGGAGGCAGAAAGGAATTCTTATCGCCTAAGCTGGGGCACTGAGAACTTAG-3'
Protein context (NP_001139.3, residues 925-945): SVVIPSHQVS[Thr935Pro]LAKEAERNSY

ClinVar aggregate classification (germline): Uncertain significance. Review status: criteria provided, multiple submitters, no conflicts (2 of 4 stars). 2 submissions from 2 submitters: Uncertain significance (2). Last evaluated 2025-05-05.

Conditions:
Cardiovascular phenotype. Identifiers: MedGen CN230736.
Long QT syndrome (LQTS). Identifiers: MedGen C0023976, MeSH D008133, MONDO:0002442. Disease mechanism: loss of function. Inheritance: Various modes of inheritance.

Allele frequency attached by ClinVar (database versions not stated): gnomAD exomes below 0.00001; ExAC 0.00001; gnomAD 0.00001; TOPMed 0.00002.
gnomAD v4.1: 1 of 1,613,228 alleles (0.000062%); highest among the groups gnomAD compares: African/African-American, 0.0013%; no homozygotes.

Submissions (2):

Ambry Genetics
Classification: Uncertain significance for Cardiovascular phenotype. Last evaluated: 2025-05-05. Review status: criteria provided, single submitter. Criteria: Ambry Variant Classification Scheme 2023. Collection method: clinical testing. Allele origin: germline.

Labcorp Genetics (formerly Invitae), Labcorp
Classification: Uncertain significance for Long QT syndrome. Last evaluated: 2024-04-17. Review status: criteria provided, single submitter. Criteria: Invitae Variant Classification Sherloc (09022015). Collection method: clinical testing. Allele origin: germline.
Comment: This sequence change replaces threonine, which is neutral and polar, with proline, which is neutral and non-polar, at codon 935 of the ANK2 protein (p.Thr935Pro). This variant is present in population databases (rs756666052, gnomAD 0.007%). This variant has not been reported in the literature in individuals affected with ANK2-related conditions. ClinVar contains an entry for this variant (Variation ID: 1477606). Advanced modeling of protein sequence and biophysical properties (such as structural, functional, and spatial information, amino acid conservation, physicochemical variation, residue mobility, and thermodynamic stability) performed at Invitae indicates that this missense variant is not expected to disrupt ANK2 protein function with a negative predictive value of 80%. In summary, the available evidence is currently insufficient to determine the role of this variant in disease. Therefore, it has been classified as a Variant of Uncertain Significance.